The following is an entry in ClinVar:

NM_014141.6(CNTNAP2):c.2554+283T>A

Gene: CNTNAP2 (contactin associated protein 2; plus strand). Cytogenetic location: 7q35.
Variant type: single nucleotide variant.
Coding change: c.2554+283T>A on transcript NM_014141.6 (MANE Select); 283 bases into the intron after coding-DNA position 2554, T replaced by A.
Molecular consequence: intron variant.
Genome position (GRCh38, 1-based): chr7:148,118,571, T>A. VCF-style: chr7-148118571-T-A. GRCh37 (hg19) VCF-style: chr7-147815663-T-A.
Identifiers: ClinVar variation 668650 (VCV000668650.1), dbSNP rs10265509, ClinGen allele CA12487529.
Genomic context (GRCh38, chr7:148,118,571, plus strand): 5'-TAGTCAAGAAGATGAGAGAGAACACACCGCCCTGAGAATGTGGGAGAGGAATGTTTATCT[T>A]CAGCTTCATGTCTTGTGTGGCTGTTTTCCAAAGAGACAGGGTCAAAAATAGGTGAGGGGT-3'

ClinVar aggregate classification (germline): Benign (1 of 4 stars; one submission).

Allele frequency attached by ClinVar (database versions not stated): TOPMed 0.27197; gnomAD 0.27232 and 0.27445; 1000 Genomes Project 0.28095; 1000 Genomes Project 30x 0.28217.
gnomAD v4.1: 41,275 of 152,026 alleles (27%); highest among the groups gnomAD compares: African/African-American, 35%; 5,782 homozygotes.

Submission:

GeneDx
Classification: Benign. Last evaluated: 2018-06-19. Review status: criteria provided, single submitter. Criteria: GeneDx Variant Classification (06012015). Collection method: clinical testing. Allele origin: germline. Affected: yes.
Comment: This variant is considered likely benign or benign based on one or more of the following criteria: it is a conservative change, it occurs at a poorly conserved position in the protein, it is predicted to be benign by multiple in silico algorithms, and/or has population frequency not consistent with disease.